The following is an entry in ClinVar:

ClinVar aggregate classification (germline): Uncertain significance. Review status: criteria provided, multiple submitters, no conflicts (2 of 4 stars). 5 submissions from 5 submitters: Uncertain significance (5). Last evaluated 2026-09-18.

Conditions:
Cardiovascular phenotype. Identifiers: MedGen CN230736.
Cardiac arrhythmia. Also called: Arrhythmia; Cardiac rhythm disease. Identifiers: MedGen C0003811, MONDO:0007263, HP:0011675.
Long QT syndrome (LQTS). Identifiers: MedGen C0023976, MeSH D008133, MONDO:0002442. Disease mechanism: loss of function. Inheritance: Various modes of inheritance.

Allele frequency attached by ClinVar (database versions not stated): gnomAD 0.00001.
gnomAD v4.1: 5 of 1,613,612 alleles (0.00031%); highest among the groups gnomAD compares: Non-Finnish European, 0.00042%; no homozygotes.

Submissions (5):

GeneDx
Classification: Uncertain significance. Last evaluated: 2026-09-18. Review status: criteria provided, single submitter. Criteria: GeneDx Variant Classification Process June 2021. Collection method: clinical testing. Allele origin: germline.
Comment: Not observed at significant frequency in large population cohorts (gnomAD); In silico analysis suggests that this missense variant does not alter protein structure/function; Has not been previously published as pathogenic or benign to our knowledge

Color Diagnostics, LLC DBA Color Health
Classification: Uncertain significance for Cardiac arrhythmia. Last evaluated: 2025-12-18. Review status: criteria provided, single submitter. Criteria: ACMG Guidelines, 2015. Collection method: clinical testing. Allele origin: germline.
Comment: This missense variant replaces asparagine with aspartic acid at codon 429 of the KCNQ1 protein. Computational prediction is inconclusive regarding the impact of this variant on protein structure and function. To our knowledge, functional studies have not been reported for this variant. This variant has not been reported in individuals affected with KCNQ1-related disorders in the literature. This variant has been identified in 5/1613612 chromosomes in the general population by the Genome Aggregation Database (gnomAD). The available evidence is insufficient to determine the role of this variant in disease conclusively. Therefore, this variant is classified as a Variant of Uncertain Significance.

Ambry Genetics
Classification: Uncertain significance for Cardiovascular phenotype. Last evaluated: 2025-03-14. Review status: criteria provided, single submitter. Criteria: Ambry Variant Classification Scheme 2023. Collection method: clinical testing. Allele origin: germline.
Comment: The p.N429D variant (also known as c.1285A>G), located in coding exon 10 of the KCNQ1 gene, results from an A to G substitution at nucleotide position 1285. The asparagine at codon 429 is replaced by aspartic acid, an amino acid with highly similar properties. This amino acid position is well conserved in available vertebrate species. In addition, the in silico prediction for this alteration is inconclusive. Based on the available evidence, the clinical significance of this variant remains unclear.

All of Us Research Program, National Institutes of Health
Classification: Uncertain significance for Long QT syndrome. Last evaluated: 2024-05-17. Review status: criteria provided, single submitter. Criteria: ACMG Guidelines, 2015. Collection method: clinical testing. Allele origin: germline. Inheritance: Autosomal dominant inheritance. Observed: 3 variant alleles, 3 heterozygotes.
Comment: This missense variant replaces asparagine with aspartic acid at codon 429 of the KCNQ1 protein. Computational prediction is inconclusive regarding the impact of this variant on protein structure and function (internally defined REVEL score threshold 0.5 < inconclusive < 0.7, PMID: 27666373). To our knowledge, functional studies have not been reported for this variant. This variant has not been reported in individuals affected with KCNQ1-related disorders in the literature. This variant has not been identified in the general population by the Genome Aggregation Database (gnomAD). The available evidence is insufficient to determine the role of this variant in disease conclusively. Therefore, this variant is classified as a Variant of Uncertain Significance.

This study involves interpretation of variants in research participants for the purpose of population health screening. Participant phenotype was not available at the time of variant classification. Additional details can be found in publication PMID: 35346344, PMCID: PMC8962531

Labcorp Genetics (formerly Invitae), Labcorp
Classification: Uncertain significance for Long QT syndrome. Last evaluated: 2024-05-17. Review status: criteria provided, single submitter. Criteria: Invitae Variant Classification Sherloc (09022015). Collection method: clinical testing. Allele origin: germline.
Comment: This sequence change replaces asparagine, which is neutral and polar, with aspartic acid, which is acidic and polar, at codon 429 of the KCNQ1 protein (p.Asn429Asp). This variant is not present in population databases (gnomAD no frequency). This variant has not been reported in the literature in individuals affected with KCNQ1-related conditions. ClinVar contains an entry for this variant (Variation ID: 1394075). Advanced modeling of protein sequence and biophysical properties (such as structural, functional, and spatial information, amino acid conservation, physicochemical variation, residue mobility, and thermodynamic stability) has been performed at Invitae for this missense variant, however the output from this modeling did not meet the statistical confidence thresholds required to predict the impact of this variant on KCNQ1 protein function. In summary, the available evidence is currently insufficient to determine the role of this variant in disease. Therefore, it has been classified as a Variant of Uncertain Significance.

NM_000218.3(KCNQ1):c.1285A>G (p.Asn429Asp)

Gene: KCNQ1 (potassium voltage-gated channel subfamily Q member 1; plus strand). Cytogenetic location: 11p15.5.
Variant type: single nucleotide variant.
Coding change: c.1285A>G on transcript NM_000218.3 (MANE Select); coding-DNA position 1285, A replaced by G.
Protein change: p.Asn429Asp; replaces asparagine 429 with aspartic acid.
Molecular consequence: missense variant.
Genome position (GRCh38, 1-based): chr11:2,588,746, A>G. VCF-style: chr11-2588746-A-G. GRCh37 (hg19) VCF-style: chr11-2609976-A-G.
Other names: c.1189A>G, p.Asn397Asp (NM_001406836.1); c.1015A>G, p.Asn339Asp (NM_001406837.1); c.745A>G, p.Asn249Asp (NM_001406838.1); c.904A>G, p.Asn302Asp (NM_181798.2); short protein forms N429D, N302D, N339D, N249D, N397D.
Identifiers: ClinVar variation 1394075 (VCV001394075.13), dbSNP rs778979075, ClinGen allele CA216334663.